The following is an entry in ClinVar:

ClinVar aggregate classification (germline): Uncertain significance (1 of 4 stars; one submission).

Allele frequency attached by ClinVar (database versions not stated): gnomAD exomes below 0.00001.
gnomAD v4.1: 3 of 1,506,152 alleles (0.0002%); highest among the groups gnomAD compares: East Asian, 0.0027%; no homozygotes.

Submission:

GeneDx
Classification: Uncertain significance. Last evaluated: 2022-05-18. Review status: criteria provided, single submitter. Criteria: GeneDx Variant Classification Process June 2021. Collection method: clinical testing. Allele origin: germline. Affected: yes.
Comment: Not observed at significant frequency in large population cohorts (gnomAD); In silico analysis supports that this missense variant does not alter protein structure/function; Has not been previously published as pathogenic or benign to our knowledge

NM_003719.5(PDE8B):c.205A>G (p.Arg69Gly)

Gene: PDE8B (phosphodiesterase 8B; plus strand). Cytogenetic location: 5q13.3.
Variant type: single nucleotide variant.
Coding change: c.205A>G on transcript NM_003719.5 (MANE Select); coding-DNA position 205, A replaced by G.
Protein change: p.Arg69Gly; replaces arginine 69 with glycine.
Molecular consequence: missense variant. On other transcripts: 5 prime UTR variant (1), intron variant (13).
Genome position (GRCh38, 1-based): chr5:77,211,130, A>G. VCF-style: chr5-77211130-A-G. GRCh37 (hg19) VCF-style: chr5-76506955-A-G.
Other names: c.205A>G, p.Arg69Gly (NM_001029851.4, NM_001029852.4, NM_001029853.4 and 7 more transcripts); c.-165A>G (NM_001349753.2); c.36+30644A>G (NM_001349750.3, NM_001376069.1, NM_001376062.1 and 7 more transcripts); c.-34+1084A>G (NM_001376067.1, NM_001376075.1); c.-31+1084A>G (NM_001376068.1); short protein forms R69G.
Identifiers: ClinVar variation 1800733 (VCV001800733.1), dbSNP rs2531985791, ClinGen allele CA360327030.